The following is an entry in ClinVar:

ClinVar aggregate classification (germline): Uncertain significance (1 of 4 stars; one submission).

Conditions:
Combined oxidative phosphorylation defect type 17. Also called: Combined oxidative phosphorylation deficiency 17. Identifiers: Orphanet 369913, MedGen C3809526, MONDO:0014190, OMIM 615440.

gnomAD v4.1: 4 of 1,564,686 alleles (0.00026%); highest among the groups gnomAD compares: Admixed American, 0.0019%; no homozygotes.

Submission:

Labcorp Genetics (formerly Invitae), Labcorp
Classification: Uncertain significance for Combined oxidative phosphorylation defect type 17. Last evaluated: 2025-12-08. Review status: criteria provided, single submitter. Criteria: Invitae Variant Classification Sherloc (09022015). Collection method: clinical testing. Allele origin: germline.
Comment: This sequence change replaces arginine, which is basic and polar, with histidine, which is basic and polar, at codon 33 of the ELAC2 protein (p.Arg33His). The frequency data for this variant in the population databases is considered unreliable, as metrics indicate poor data quality at this position in the gnomAD database. This variant has not been reported in the literature in individuals affected with ELAC2-related conditions. An algorithm developed to predict the effect of missense changes on protein structure and function (PolyPhen-2) suggests that this variant is likely to be tolerated. In summary, the available evidence is currently insufficient to determine the role of this variant in disease. Therefore, it has been classified as a Variant of Uncertain Significance.

NM_018127.7(ELAC2):c.98G>A (p.Arg33His)

Gene: ELAC2 (elaC ribonuclease Z 2; minus strand). Cytogenetic location: 17p12.
Variant type: single nucleotide variant.
Coding change: c.98G>A on transcript NM_018127.7 (MANE Select); coding-DNA position 98, G replaced by A.
Protein change: p.Arg33His; replaces arginine 33 with histidine.
Molecular consequence: missense variant.
Genome position (GRCh38, 1-based): chr17:13,017,850, C>T on the plus strand (G>A on the coding strand, the complement: ELAC2 is on the minus strand). VCF-style: chr17-13017850-C-T. GRCh37 (hg19) VCF-style: chr17-12921167-C-T.
Other names: c.98G>A, p.Arg33His (NM_001165962.2, NM_173717.2); short protein forms R33H.
Identifiers: ClinVar variation 4702288 (VCV004702288.1).